The following is an entry in ClinVar:

NM_000059.4(BRCA2):c.6578_6584del (p.Glu2193fs)

Gene: BRCA2 (BRCA2 DNA repair associated; plus strand). Cytogenetic location: 13q13.1.
Variant type: Deletion.
Coding change: c.6578_6584del on transcript NM_000059.4 (MANE Select); coding-DNA positions 6578 to 6584, 7 bases deleted (AAATTGG; older notation c.6578_6584delAAATTGG).
Protein change: p.Glu2193fs; shifts the reading frame from glutamic acid 2193.
Molecular consequence: frameshift variant.
Genome position (GRCh38, 1-based): chr13:32,340,933-32,340,939, AAATTGG deleted; deleting any 7 consecutive bases within chr13:32,340,930-32,340,939 gives the same sequence; the c. name uses the placement nearest the transcript's 3' end. VCF-style (leftmost placement, unchanged base first): chr13-32340929-ATGGAAAT-A. GRCh37 (hg19) VCF-style: chr13-32915066-ATGGAAAT-A.
Other names: c.6578_6584delAAATTGG (NM_000059.3); short protein forms E2193fs.
Identifiers: ClinVar variation 254584 (VCV000254584.4), dbSNP rs886038149, ClinGen allele CA10586559.

ClinVar aggregate classification (germline): Pathogenic (3 of 4 stars; one submission).

Conditions:
Breast-ovarian cancer, familial, susceptibility to, 2 (BROVCA2). Also called: BRCA2 Hereditary Breast and Ovarian Cancer. Identifiers: Orphanet 145, MedGen C2675520, MONDO:0012933, OMIM 612555. Disease mechanism: loss of function.

Submission:

Evidence-based Network for the Interpretation of Germline Mutant Alleles (ENIGMA)
Classification: Pathogenic for Breast-ovarian cancer, familial, susceptibility to, 2. Last evaluated: 2016-09-08. Review status: reviewed by expert panel. Criteria: ENIGMA BRCA1/2 Classification Criteria (2015). Collection method: curation. Allele origin: germline.
Comment: Variant allele predicted to encode a truncated non-functional protein.